The following is an entry in ClinVar:

NM_000245.4(MET):c.2681G>A (p.Cys894Tyr)

Gene: MET (MET proto-oncogene, receptor tyrosine kinase; plus strand). Cytogenetic location: 7q31.2.
Variant type: single nucleotide variant.
Coding change: c.2681G>A on transcript NM_000245.4 (MANE Select); coding-DNA position 2681, G replaced by A.
Protein change: p.Cys894Tyr; replaces cysteine 894 with tyrosine.
Molecular consequence: missense variant.
Genome position (GRCh38, 1-based): chr7:116,769,742, G>A. VCF-style: chr7-116769742-G-A. GRCh37 (hg19) VCF-style: chr7-116409796-G-A.
Other names: c.2735G>A, p.Cys912Tyr (NM_001127500.3); c.2681G>A, p.Cys894Tyr (NM_001324401.3); c.1391G>A, p.Cys464Tyr (NM_001324402.2); short protein forms C894Y, C912Y, C464Y.
Identifiers: ClinVar variation 1795329 (VCV001795329.6), dbSNP rs2116983900, ClinGen allele CA368985694.

ClinVar aggregate classification (germline): Uncertain significance. Review status: criteria provided, multiple submitters, no conflicts (2 of 4 stars). 2 submissions from 2 submitters: Uncertain significance (2). Last evaluated 2026-03-25.

Conditions:
Renal cell carcinoma. Identifiers: Orphanet 217071, MedGen C0007134, MeSH D002292, MONDO:0005086, HP:0005584.
Hereditary cancer-predisposing syndrome. Also called: Neoplastic Syndromes, Hereditary; Tumor predisposition; Hereditary Cancer Syndrome; Hereditary neoplastic syndrome. Identifiers: Orphanet 140162, MedGen C0027672, MeSH D009386, MONDO:0015356.

Submissions (2):

Ambry Genetics
Classification: Uncertain significance for Hereditary cancer-predisposing syndrome. Last evaluated: 2026-03-25. Review status: criteria provided, single submitter. Criteria: Ambry Variant Classification Scheme 2023. Collection method: clinical testing. Allele origin: germline.
Comment: The p.C912Y variant (also known as c.2735G>A), located in coding exon 11 of the MET gene, results from a G to A substitution at nucleotide position 2735. The cysteine at codon 912 is replaced by tyrosine, an amino acid with highly dissimilar properties. This amino acid position is highly conserved in available vertebrate species. In addition, this alteration is predicted to be deleterious by in silico analysis. Based on the available evidence, the clinical significance of this variant remains unclear.

Labcorp Genetics (formerly Invitae), Labcorp
Classification: Uncertain significance for Renal cell carcinoma. Last evaluated: 2024-04-27. Review status: criteria provided, single submitter. Criteria: Invitae Variant Classification Sherloc (09022015). Collection method: clinical testing. Allele origin: germline.
Comment: This sequence change replaces cysteine, which is neutral and slightly polar, with tyrosine, which is neutral and polar, at codon 912 of the MET protein (p.Cys912Tyr). This variant is not present in population databases (gnomAD no frequency). This variant has not been reported in the literature in individuals affected with MET-related conditions. ClinVar contains an entry for this variant (Variation ID: 1795329). Advanced modeling of protein sequence and biophysical properties (such as structural, functional, and spatial information, amino acid conservation, physicochemical variation, residue mobility, and thermodynamic stability) performed at Invitae indicates that this missense variant is expected to disrupt MET protein function with a positive predictive value of 80%. In summary, the available evidence is currently insufficient to determine the role of this variant in disease. Therefore, it has been classified as a Variant of Uncertain Significance.